The following is an entry in ClinVar:

ClinVar aggregate classification (germline): Pathogenic (1 of 4 stars; one submission).

Conditions:
Early-infantile DEE. Also called: Ohtahara syndrome; Early infantile epileptic encephalopathy; Early infantile epileptic encephalopathy with suppression bursts. Identifiers: Orphanet 1934, MedGen C0393706, MONDO:0800491.

Submission:

Labcorp Genetics (formerly Invitae), Labcorp
Classification: Pathogenic for Early-infantile DEE. Last evaluated: 2024-04-18. Review status: criteria provided, single submitter. Criteria: Invitae Variant Classification Sherloc (09022015). Collection method: clinical testing. Allele origin: germline.
Comment: This sequence change creates a premature translational stop signal (p.Leu373Phefs*77) in the SCN1A gene. It is expected to result in an absent or disrupted protein product. Loss-of-function variants in SCN1A are known to be pathogenic (PMID: 17347258, 18930999). This variant is not present in population databases (gnomAD no frequency). This variant has not been reported in the literature in individuals affected with SCN1A-related conditions. ClinVar contains an entry for this variant (Variation ID: 571560). Algorithms developed to predict the effect of sequence changes on RNA splicing suggest that this variant may disrupt the consensus splice site. For these reasons, this variant has been classified as Pathogenic.

Literature cited by the submitters: PubMed 17347258; PubMed 18930999.

NM_001165963.4(SCN1A):c.1118dup (p.Leu373fs)

Gene: SCN1A (sodium voltage-gated channel alpha subunit 1; minus strand). Cytogenetic location: 2q24.3.
Variant type: Duplication.
Coding change: c.1118dup on transcript NM_001165963.4 (MANE Select); coding-DNA position 1118, one base duplicated (T; older notation c.1118dupT).
Protein change: p.Leu373fs; shifts the reading frame from leucine 373.
Molecular consequence: frameshift variant. On other transcripts: 5 prime UTR variant (1), non-coding transcript variant (1).
Genome position (GRCh38, 1-based): chr2:166,047,679, A duplicated on the plus strand (T on the coding strand, the reverse complement: SCN1A is on the minus strand); the first of 6 consecutive A bases (chr2:166,047,679-166,047,684); duplicating any one gives the same sequence. VCF-style (leftmost placement, unchanged base first): chr2-166047678-C-CA. GRCh37 (hg19) VCF-style: chr2-166904188-C-CA.
Other names: c.1118dup, p.Leu373fs (NM_001165964.3, NM_001202435.3, NM_001353948.2 and 10 more transcripts); c.-1308dup (NM_001353961.2); short protein forms L373fs.
Identifiers: ClinVar variation 571560 (VCV000571560.7), dbSNP rs794726695, ClinGen allele CA645523055.